The following is an entry in ClinVar:

ClinVar aggregate classification (germline): Uncertain significance (1 of 4 stars; one submission).

Submission:

Labcorp Genetics (formerly Invitae), Labcorp
Classification: Uncertain significance. Last evaluated: 2023-12-12. Review status: criteria provided, single submitter. Criteria: Invitae Variant Classification Sherloc (09022015). Collection method: clinical testing. Allele origin: unknown.
Comment: This variant results in a copy number gain of the genomic region encompassing exon(s) 1-3 of the CEP97 gene. This region includes the initiator codon of the gene. This copy number gain extends beyond the assayed region for this gene and therefore may encompass additional genes. As the precise location of this event is unknown, it may be in tandem or it may be located elsewhere in the genome. This variant has not been reported in the literature in individuals affected with CEP97-related conditions. Experimental studies and prediction algorithms are not available or were not evaluated, and the functional significance of this variant is currently unknown. In summary, the available evidence is currently insufficient to determine the role of this variant in disease. Therefore, it has been classified as a Variant of Uncertain Significance.

NC_000003.11:g.(?_101443521)_(101446405_?)dup

Gene: CEP97 (centrosomal protein 97; plus strand). Cytogenetic location: 3q12.3.
Variant type: Duplication.
Identifiers: ClinVar variation 3247041 (VCV003247041.1).